The following is an entry in ClinVar:

ClinVar aggregate classification (germline): Uncertain significance (1 of 4 stars; one submission).

Conditions:
SIM1-related disorder. Also called: SIM1-related disorders; SIM1-related condition.

gnomAD v4.1: 1 of 1,614,100 alleles (0.000062%); highest among the groups gnomAD compares: South Asian, 0.0011%; no homozygotes.

Submission:

PreventionGenetics, part of Exact Sciences
Classification: Uncertain significance for SIM1-related condition. Last evaluated: 2026-06-23. Review status: criteria provided, single submitter. Criteria: ACMG Guidelines, 2015. Collection method: clinical testing. Allele origin: germline.
Comment: The SIM1 c.1790G>C variant is predicted to result in the amino acid substitution p.Gly597Ala. To our knowledge, this variant has not been reported in the literature or in a large population database (gnomAD), indicating this variant is rare. At this time, the clinical significance of this variant is uncertain due to the absence of conclusive functional and genetic evidence.

NM_005068.3(SIM1):c.1790G>C (p.Gly597Ala)

Gene: SIM1 (SIM bHLH transcription factor 1; minus strand). Cytogenetic location: 6q16.3.
Variant type: single nucleotide variant.
Coding change: c.1790G>C on transcript NM_005068.3 (MANE Select); coding-DNA position 1790, G replaced by C.
Protein change: p.Gly597Ala; replaces glycine 597 with alanine.
Molecular consequence: missense variant.
Genome position (GRCh38, 1-based): chr6:100,390,872, C>G on the plus strand (G>C on the coding strand, the complement: SIM1 is on the minus strand). VCF-style: chr6-100390872-C-G. GRCh37 (hg19) VCF-style: chr6-100838748-C-G.
Other names: c.1790G>C, p.Gly597Ala (NM_001374769.1); short protein forms G597A.
Identifiers: ClinVar variation 4999103 (VCV004999103.1).